The following is an entry in ClinVar:

ClinVar aggregate classification (germline): Pathogenic (1 of 4 stars; one submission).

Conditions:
Aicardi-Goutieres syndrome 5. Identifiers: Orphanet 51, MedGen C2749659, MONDO:0013059, OMIM 612952.

Submission:

Labcorp Genetics (formerly Invitae), Labcorp
Classification: Pathogenic for Aicardi-Goutieres syndrome 5. Last evaluated: 2021-08-03. Review status: criteria provided, single submitter. Criteria: Invitae Variant Classification Sherloc (09022015). Collection method: clinical testing. Allele origin: germline.
Comment: This variant is a gross deletion of the genomic region encompassing exon(s) 4 of the SAMHD1 gene. This deletion is out-of-frame, and is expected to create a premature termination codon and result in an absent or disrupted protein product. Loss-of-function variants in SAMHD1 are known to be pathogenic (PMID: 19525956, 22461318). This variant has not been reported in the literature in individuals affected with SAMHD1-related conditions. For these reasons, this variant has been classified as Pathogenic.

Literature cited by the submitters: PubMed 19525956; PubMed 22461318.

NC_000020.10:g.(?_35563412)_(35563612_?)del

Gene: SAMHD1 (SAM and HD domain containing deoxynucleoside triphosphate triphosphohydrolase 1; minus strand). Cytogenetic location: 20q11.23.
Variant type: Deletion.
Identifiers: ClinVar variation 2426167 (VCV002426167.3).